The following is an entry in ClinVar:

NM_007327.4(GRIN1):c.1045G>A (p.Ala349Thr)

Gene: GRIN1 (glutamate ionotropic receptor NMDA type subunit 1; plus strand). Cytogenetic location: 9q34.3.
Variant type: single nucleotide variant.
Coding change: c.1045G>A on transcript NM_007327.4 (MANE Select); coding-DNA position 1045, G replaced by A.
Protein change: p.Ala349Thr; replaces alanine 349 with threonine.
Molecular consequence: missense variant.
Genome position (GRCh38, 1-based): chr9:137,158,455, G>A. VCF-style: chr9-137158455-G-A. GRCh37 (hg19) VCF-style: chr9-140052907-G-A.
Other names: c.1045G>A, p.Ala349Thr (NM_000832.7, NM_021569.4); c.1108G>A, p.Ala370Thr (NM_001185090.2, NM_001185091.2); short protein forms A349T, A370T.
Identifiers: ClinVar variation 2066213 (VCV002066213.5), dbSNP rs148008303, ClinGen allele CA5360819.

ClinVar aggregate classification (germline): Uncertain significance. Review status: criteria provided, multiple submitters, no conflicts (2 of 4 stars). 2 submissions from 2 submitters: Uncertain significance (2). Last evaluated 2025-02-01.

Conditions:
Neurodevelopmental disorder with or without hyperkinetic movements and seizures, autosomal dominant. Also called: Intellectual disability, autosomal dominant 8. Identifiers: MedGen C3280282, MONDO:0013655, OMIM 614254.

gnomAD v4.1: 49 of 1,613,368 alleles (0.003%); highest among the groups gnomAD compares: East Asian, 0.0067%; no homozygotes.

Submissions (2):

Labcorp Genetics (formerly Invitae), Labcorp
Classification: Uncertain significance for Neurodevelopmental disorder with or without hyperkinetic movements and seizures, autosomal dominant. Last evaluated: 2025-02-01. Review status: criteria provided, single submitter. Criteria: Invitae Variant Classification Sherloc (09022015). Collection method: clinical testing. Allele origin: germline.
Comment: This sequence change replaces alanine, which is neutral and non-polar, with threonine, which is neutral and polar, at codon 349 of the GRIN1 protein (p.Ala349Thr). This variant is present in population databases (rs148008303, gnomAD 0.006%). This variant has not been reported in the literature in individuals affected with GRIN1-related conditions. ClinVar contains an entry for this variant (Variation ID: 2066213). Invitae Evidence Modeling of protein sequence and biophysical properties (such as structural, functional, and spatial information, amino acid conservation, physicochemical variation, residue mobility, and thermodynamic stability) has been performed for this missense variant. However, the output from this modeling did not meet the statistical confidence thresholds required to predict the impact of this variant on GRIN1 protein function. In summary, the available evidence is currently insufficient to determine the role of this variant in disease. Therefore, it has been classified as a Variant of Uncertain Significance.

Blueprint Genetics
Classification: Uncertain significance. Last evaluated: 2023-11-13. Review status: criteria provided, single submitter. Criteria: ACMG Guidelines, 2015. Collection method: clinical testing. Allele origin: germline.